The following is an entry in ClinVar:

ClinVar aggregate classification (germline): Pathogenic (1 of 4 stars; one submission).

Conditions:
Hereditary spastic paraplegia 50 (SPG50). Also called: Spastic paraplegia 50, autosomal recessive. Identifiers: Orphanet 280763, MedGen C2752008, MONDO:0013048, OMIM 612936.

Submission:

Labcorp Genetics (formerly Invitae), Labcorp
Classification: Pathogenic for Hereditary spastic paraplegia 50. Last evaluated: 2022-06-27. Review status: criteria provided, single submitter. Criteria: Invitae Variant Classification Sherloc (09022015). Collection method: clinical testing. Allele origin: germline.
Comment: For these reasons, this variant has been classified as Pathogenic. This variant has not been reported in the literature in individuals affected with AP4M1-related conditions. This variant is not present in population databases (gnomAD no frequency). This sequence change creates a premature translational stop signal (p.Asn185Lysfs*17) in the AP4M1 gene. It is expected to result in an absent or disrupted protein product. Loss-of-function variants in AP4M1 are known to be pathogenic (PMID: 24700674, 25496299, 25558065).

Literature cited by the submitters: PubMed 24700674; PubMed 25496299; PubMed 25558065.

NM_004722.4(AP4M1):c.555_556del (p.Asn185fs)

Gene: AP4M1 (adaptor related protein complex 4 subunit mu 1; plus strand). Cytogenetic location: 7q22.1.
Variant type: Deletion.
Coding change: c.555_556del on transcript NM_004722.4 (MANE Select); coding-DNA positions 555 to 556, 2 bases deleted (TG; older notation c.555_556delTG).
Protein change: p.Asn185fs; shifts the reading frame from asparagine 185.
Molecular consequence: frameshift variant.
Genome position (GRCh38, 1-based): chr7:100,104,103-100,104,104, TG deleted. VCF-style (leftmost placement, unchanged base first): chr7-100104102-ATG-A. GRCh37 (hg19) VCF-style: chr7-99701725-ATG-A.
Other names: c.576_577del, p.Asn192fs (NM_001363671.2); short protein forms N192fs, N185fs.
Identifiers: ClinVar variation 1377569 (VCV001377569.7), dbSNP rs2116643498, ClinGen allele CA2573141343.